The following is an entry in ClinVar:

NM_006361.6(HOXB13):c.570A>T (p.Pro190=)

Gene: HOXB13 (homeobox B13; minus strand). Cytogenetic location: 17q21.32.
Variant type: single nucleotide variant.
Coding change: c.570A>T on transcript NM_006361.6 (MANE Select); coding-DNA position 570, A replaced by T.
Protein change: p.Pro190=; no amino-acid change (proline 190 retained).
Molecular consequence: synonymous variant.
Genome position (GRCh38, 1-based): chr17:48,728,024, T>A on the plus strand (A>T on the coding strand, the complement: HOXB13 is on the minus strand). VCF-style: chr17-48728024-T-A. GRCh37 (hg19) VCF-style: chr17-46805386-T-A.
Identifiers: ClinVar variation 3772962 (VCV003772962.2).

ClinVar aggregate classification (germline): Benign/Likely benign. Review status: criteria provided, multiple submitters, no conflicts (2 of 4 stars). 2 submissions from 2 submitters: Benign (1); Likely benign (1). Last evaluated 2026-08-25.

Conditions:
Hereditary cancer-predisposing syndrome. Also called: Tumor predisposition; Hereditary neoplastic syndrome; Hereditary Cancer Syndrome; Neoplastic Syndromes, Hereditary. Identifiers: Orphanet 140162, MedGen C0027672, MeSH D009386, MONDO:0015356.
Prostate cancer, hereditary, 9 (HPC9). Identifiers: Orphanet 1331, MedGen C1970250, MONDO:0012597, OMIM 610997.

gnomAD v4.1: 1 of 1,614,090 alleles (0.000062%); highest among the groups gnomAD compares: Non-Finnish European, 0.000085%; no homozygotes.

Submissions (2):

Ambry Genetics
Classification: Likely benign for Hereditary cancer-predisposing syndrome. Last evaluated: 2026-08-25. Review status: criteria provided, single submitter. Criteria: Ambry Variant Classification Scheme 2023. Collection method: clinical testing. Allele origin: germline.

Myriad Genetics, Inc.
Classification: Benign for Prostate cancer, hereditary, 9. Last evaluated: 2024-10-30. Review status: criteria provided, single submitter. Criteria: Myriad Autosomal Dominant, Autosomal Recessive and X-Linked Classification Criteria (2023). Collection method: clinical testing. Allele origin: unknown.
Comment: This variant is considered benign. This variant is a silent/synonymous amino acid change and it is not expected to impact splicing.